The following is an entry in ClinVar:

NM_006648.4(WNK2):c.3565C>T (p.Leu1189Phe)

Gene: WNK2 (WNK lysine deficient protein kinase 2; plus strand). Cytogenetic location: 9q22.31.
Variant type: single nucleotide variant.
Coding change: c.3565C>T on transcript NM_006648.4 (MANE Select); coding-DNA position 3565, C replaced by T.
Protein change: p.Leu1189Phe; replaces leucine 1189 with phenylalanine.
Molecular consequence: missense variant.
Genome position (GRCh38, 1-based): chr9:93,263,720, C>T. VCF-style: chr9-93263720-C-T. GRCh37 (hg19) VCF-style: chr9-96026002-C-T.
Other names: c.3565C>T, p.Leu1189Phe (NM_001282394.3); short protein forms L1189F.
Identifiers: ClinVar variation 3816900 (VCV003816900.1).
Genomic context (GRCh38, chr9:93,263,720, plus strand): 5'-AAACACCACCGCAGGTCCACGCGTGCGCGCTCCCGGCAGGAGAGGGCCAGCCGGCCCCGG[C>T]TTACCATCTTGAACGTGAGTGGGCGGGGCGTGGCGGGGGTGTGGTGGGGGTGGGGGCATG-3'
Protein context (NP_006639.3, residues 1179-1199): SRQERASRPR[Leu1189Phe]TILNVCNTGD

ClinVar aggregate classification (germline): Uncertain significance (1 of 4 stars; one submission).

Submission:

Ambry Genetics
Classification: Uncertain significance. Last evaluated: 2025-01-23. Review status: criteria provided, single submitter. Criteria: Ambry Variant Classification Scheme 2023. Collection method: clinical testing. Allele origin: germline.
Comment: The p.L1189F variant (also known as c.3565C>T), located in coding exon 14 of the WNK2 gene, results from a C to T substitution at nucleotide position 3565. The leucine at codon 1189 is replaced by phenylalanine, an amino acid with highly similar properties. This amino acid position is conserved. In addition, the in silico prediction for this alteration is inconclusive. Based on the available evidence, the clinical significance of this variant remains unclear.